The following is an entry in ClinVar:

NM_016333.4(SRRM2):c.5990G>A (p.Arg1997His)

Gene: SRRM2 (serine/arginine repetitive matrix 2; plus strand). Cytogenetic location: 16p13.3.
Variant type: single nucleotide variant.
Coding change: c.5990G>A on transcript NM_016333.4 (MANE Select); coding-DNA position 5990, G replaced by A.
Protein change: p.Arg1997His; replaces arginine 1997 with histidine.
Molecular consequence: missense variant.
Genome position (GRCh38, 1-based): chr16:2,766,518, G>A. VCF-style: chr16-2766518-G-A. GRCh37 (hg19) VCF-style: chr16-2816519-G-A.
Other names: short protein forms R1997H.
Identifiers: ClinVar variation 789080 (VCV000789080.12), dbSNP rs138447860, ClinGen allele CA7848665.

ClinVar aggregate classification (germline): Likely benign. Review status: criteria provided, multiple submitters, no conflicts (2 of 4 stars). 3 submissions from 3 submitters: Likely benign (3). Last evaluated 2026-07-01.

Allele frequency attached by ClinVar (database versions not stated): TOPMed 0.00518; 1000 Genomes Project 0.00200; 1000 Genomes Project 30x 0.00250; ExAC 0.00318; gnomAD exomes 0.00361; ESP Exome Variant Server 0.00408; gnomAD 0.00415 and 0.00453.

Submissions (3):

CeGaT Center for Human Genetics Tuebingen
Classification: Likely benign. Last evaluated: 2026-07-01. Review status: criteria provided, single submitter. Criteria: CeGaT Center For Human Genetics Tuebingen Variant Classification Criteria Version 2. Collection method: clinical testing. Allele origin: germline. Affected: yes. Observed: 12 variant alleles.
Comment: SRRM2: BS2

Labcorp Genetics (formerly Invitae), Labcorp
Classification: Likely benign. Last evaluated: 2019-12-31. Review status: criteria provided, single submitter. Criteria: Invitae Variant Classification Sherloc (09022015). Collection method: clinical testing. Allele origin: germline.

Breakthrough Genomics
Classification: Likely benign. Review status: criteria provided, single submitter. Criteria: ACMG Guidelines, 2015. Collection method: not provided. Allele origin: germline. Inheritance: Unknown mechanism. Affected: yes.